The following is an entry in ClinVar:

NM_001130987.2(DYSF):c.345+1del

Gene: DYSF (dysferlin; plus strand). Cytogenetic location: 2p13.2.
Variant type: Deletion.
Coding change: c.345+1del on transcript NM_001130987.2 (MANE Select); the canonical splice donor site of the intron after coding-DNA position 345, one base deleted (G; older notation c.345+1delG).
Molecular consequence: splice donor variant.
Genome position (GRCh38, 1-based): chr2:71,503,320, G deleted; the last of 4 consecutive G bases (chr2:71,503,317-71,503,320); deleting any one gives the same sequence. VCF-style (leftmost placement, unchanged base first): chr2-71503316-AG-A. GRCh37 (hg19) VCF-style: chr2-71730446-AG-A.
Other names: NM_003494.4:c.342+1del; c.342+1del (NM_001130979.2, NM_001130981.2, NM_001130980.2 and 4 more transcripts); c.345+1del (NM_001130982.2, NM_001130985.2, NM_001130983.2 and 3 more transcripts).
Identifiers: ClinVar variation 4819968 (VCV004819968.1).

ClinVar aggregate classification (germline): Pathogenic (3 of 4 stars; one submission).

Conditions:
Autosomal recessive limb-girdle muscular dystrophy. Identifiers: Orphanet 102015, MedGen C2931907, MONDO:0015152.

Submission:

ClinGen Limb Girdle Muscular Dystrophy Variant Curation Expert Panel, ClinGen
Classification: Pathogenic for Autosomal recessive limb-girdle muscular dystrophy. Last evaluated: 2026-01-23. Review status: reviewed by expert panel. Criteria: ClinGen LGMD VCEP ACMG Specifications DYSF V2.0.0. Collection method: curation. Allele origin: germline. Inheritance: Autosomal recessive inheritance.
Comment: The NM_003494.4: c.342+1del variant in DYSF, which is also known as NM_001130987.2: c.345+1del, occurs within the canonical splice donor site of intron 4. It is predicted to ablate the canonical donor site (SpliceAI: 0.98) while introducing an alternative donor site at the -1 position (SpliceAI: 0.99). Use of the alternative donor or skipping of exon 4 would be expected to introduce a frameshift and premature truncation, leading to nonsense mediated decay in a gene in which loss of function is an established disease mechanism (PVS1). This variant has been identified in at least one individual with suspected LGMD, where it was identified with a variant independently classified as likely pathogenic (NM_003494.4: c.1397+2dup, 0.25 pts each, PMID: 36580222; Jain Foundation Dysferlin Registry internal data communication; PM3_Supporting not met). At least one patient with clinical features of LGMD had disease range dysferlin protein expression, which is highly specific for DYSF-related LGMD (PP4_Strong). This variant is absent from gnomAD v4.1.0 (PM2_Supporting). In summary, this variant meets the criteria to be classified as Pathogenic for autosomal recessive limb girdle muscular dystrophy based on the ACMG/AMP criteria applied, as specified by the ClinGen LGMD VCEP (specifications v2.0.0; 01/23/2026): PVS1, PP4_Strong, PM2_Supporting.